The following is an entry in ClinVar:

ClinVar aggregate classification (germline): Uncertain significance (1 of 4 stars; one submission).

Conditions:
Developmental and epileptic encephalopathy 104 (DEE104). Identifiers: MedGen C5774183, MONDO:0031021, OMIM 619970.

gnomAD v4.1: 1 of 1,613,920 alleles (0.000062%); highest among the groups gnomAD compares: Non-Finnish European, 0.000085%; no homozygotes.

Submission:

Victorian Clinical Genetics Services, Murdoch Childrens Research Institute
Classification: Uncertain significance for Developmental and epileptic encephalopathy 104. Last evaluated: 2026-06-23. Review status: criteria provided, single submitter. Criteria: ACMG Guidelines, 2015. Collection method: clinical testing. Allele origin: germline. Affected: yes.
Comment: This variant is classified as VUS-3A. Evidence in support of pathogenic classification: Variant is present in gnomAD <0.01 (v4: 1 heterozygote(s), 0 homozygote(s)). Additional information: Variant is predicted to result in a missense amino acid change from Tyr to Cys; This variant is heterozygous; This gene is associated with both recessive and dominant disease. Developmental and epileptic encephalopathy 104 (MIM#619970) is associated with autosomal dominant inheritance, and neurodevelopmental disorder with epilepsy and brain atrophy (MIM#619971) is associated with autosomal recessive inheritance; This variant has no previous evidence of pathogenicity; No published evidence of segregation with disease has been identified for this variant; No published functional evidence has been identified for this variant; No comparable missense variants have previous evidence for pathogenicity; Variant is located in the annotated V-type ATPase 116kDa subunit family domain (DECIPHER); Missense variant with inconclusive in silico prediction and/or uninformative conservation; Loss of function is a known mechanism of disease in this gene and is associated with neurodevelopmental disorder with epilepsy and brain atrophy (MIM#619971). Dominant negative has been suggested as a mechanism for developmental and epileptic encephalopathy 104 (MIM#619970); however, this has not been proven (PMIDs: 34909687, 33833240); Inheritance information for this variant is not currently available in this individual.

Literature cited by the submitters: PubMed 33833240; PubMed 34909687.

NM_001130021.3(ATP6V0A1):c.1985A>G (p.Tyr662Cys)

Gene: ATP6V0A1 (ATPase H+ transporting V0 subunit a1; plus strand). Cytogenetic location: 17q21.2.
Variant type: single nucleotide variant.
Coding change: c.1985A>G on transcript NM_001130021.3 (MANE Select); coding-DNA position 1985, A replaced by G.
Protein change: p.Tyr662Cys; replaces tyrosine 662 with cysteine.
Molecular consequence: missense variant.
Genome position (GRCh38, 1-based): chr17:42,501,285, A>G. VCF-style: chr17-42501285-A-G. GRCh37 (hg19) VCF-style: chr17-40653303-A-G.
Other names: c.1772A>G, p.Tyr591Cys (NM_001378546.1, NM_001378547.1); c.1739A>G, p.Tyr580Cys (NM_001378548.1); c.1805A>G, p.Tyr602Cys (NM_001378549.1); c.1877A>G, p.Tyr626Cys (NM_001378550.1, NM_001378556.1, NM_001378536.1); c.2108A>G, p.Tyr703Cys (NM_001378551.1, NM_001378552.1, NM_001378530.1 and 1 more transcripts); c.1775A>G, p.Tyr592Cys (NM_001378554.1, NM_001378545.1); c.1985A>G, p.Tyr662Cys (NM_001378557.1, NM_001378535.1, NM_001378537.1 and 3 more transcripts); c.2006A>G, p.Tyr669Cys (NM_001130020.3, NM_001378522.1, NM_001378523.1 and 3 more transcripts); and 3 more; short protein forms Y580C, Y591C, Y592C, Y602C, Y609C, Y619C, Y626C, Y662C.
Identifiers: ClinVar variation 4879649 (VCV004879649.1).